The following is an entry in ClinVar:

NM_001151.4(SLC25A4):c.727G>A (p.Gly243Ser)

Gene: SLC25A4 (solute carrier family 25 member 4; plus strand). Cytogenetic location: 4q35.1.
Variant type: single nucleotide variant.
Coding change: c.727G>A on transcript NM_001151.4 (MANE Select); coding-DNA position 727, G replaced by A.
Protein change: p.Gly243Ser; replaces glycine 243 with serine.
Molecular consequence: missense variant.
Genome position (GRCh38, 1-based): chr4:185,145,887, G>A. VCF-style: chr4-185145887-G-A. GRCh37 (hg19) VCF-style: chr4-186067041-G-A.
Other names: short protein forms G243S.
Identifiers: ClinVar variation 3443474 (VCV003443474.2).

ClinVar aggregate classification (germline): Uncertain significance. Review status: criteria provided, multiple submitters, no conflicts (2 of 4 stars). 2 submissions from 2 submitters: Uncertain significance (2). Last evaluated 2025-11-25.

Conditions:
Inborn genetic diseases. Identifiers: MedGen C0950123, MeSH D030342.

gnomAD v4.1: 11 of 1,614,138 alleles (0.00068%); highest among the groups gnomAD compares: Non-Finnish European, 0.00025%; no homozygotes.

Submissions (2):

Labcorp Genetics (formerly Invitae), Labcorp
Classification: Uncertain significance. Last evaluated: 2025-11-25. Review status: criteria provided, single submitter. Criteria: Invitae Variant Classification Sherloc (09022015). Collection method: clinical testing. Allele origin: germline.
Comment: This sequence change replaces glycine, which is neutral and non-polar, with serine, which is neutral and polar, at codon 243 of the SLC25A4 protein (p.Gly243Ser). This variant is present in population databases (rs764225621, gnomAD 0.04%). This variant has not been reported in the literature in individuals affected with SLC25A4-related conditions. ClinVar contains an entry for this variant (Variation ID: 3443474). Invitae Evidence Modeling of protein sequence and biophysical properties (such as structural, functional, and spatial information, amino acid conservation, physicochemical variation, residue mobility, and thermodynamic stability) has been performed for this missense variant. However, the output from this modeling did not meet the statistical confidence thresholds required to predict the impact of this variant on SLC25A4 protein function. In summary, the available evidence is currently insufficient to determine the role of this variant in disease. Therefore, it has been classified as a Variant of Uncertain Significance.

Ambry Genetics
Classification: Uncertain significance for Inborn genetic diseases. Last evaluated: 2024-11-26. Review status: criteria provided, single submitter. Criteria: Ambry Variant Classification Scheme 2023. Collection method: clinical testing. Allele origin: germline.